The following is an entry in ClinVar:

ClinVar aggregate classification (germline): Uncertain significance (1 of 4 stars; one submission).

gnomAD v4.1: 24 of 1,541,056 alleles (0.0016%); highest among the groups gnomAD compares: East Asian, 0.0049%; no homozygotes.

Submission:

GeneDx
Classification: Uncertain significance. Last evaluated: 2023-07-21. Review status: criteria provided, single submitter. Criteria: GeneDx Variant Classification Process June 2021. Collection method: clinical testing. Allele origin: germline. Affected: yes.
Comment: In silico analysis supports that this missense variant does not alter protein structure/function; Has not been previously published as pathogenic or benign to our knowledge; Variants in candidate genes are classified as variants of uncertain significance in accordance with ACMG guidelines (Richards et al., 2015)

NM_022835.3(PLEKHG2):c.895C>T (p.Arg299Trp)

Gene: PLEKHG2 (pleckstrin homology and RhoGEF domain containing G2; plus strand). Cytogenetic location: 19q13.2.
Variant type: single nucleotide variant.
Coding change: c.895C>T on transcript NM_022835.3 (MANE Select); coding-DNA position 895, C replaced by T.
Protein change: p.Arg299Trp; replaces arginine 299 with tryptophan.
Molecular consequence: missense variant.
Genome position (GRCh38, 1-based): chr19:39,417,917, C>T. VCF-style: chr19-39417917-C-T. GRCh37 (hg19) VCF-style: chr19-39908557-C-T.
Other names: c.718C>T, p.Arg240Trp (NM_001351693.2); c.895C>T, p.Arg299Trp (NM_001351694.2); short protein forms R240W, R299W.
Identifiers: ClinVar variation 3361372 (VCV003361372.1).